The following is an entry in ClinVar:

ClinVar aggregate classification (germline): Uncertain significance (1 of 4 stars; one submission).

Conditions:
Long QT syndrome (LQTS). Identifiers: MedGen C0023976, MeSH D008133, MONDO:0002442. Disease mechanism: loss of function. Inheritance: Various modes of inheritance.

Allele frequency attached by ClinVar (database versions not stated): TOPMed 0.00004; gnomAD exomes below 0.00001; gnomAD 0.00001.
gnomAD v4.1: 4 of 1,611,498 alleles (0.00025%); highest among the groups gnomAD compares: African/African-American, 0.004%; no homozygotes.

Submission:

Labcorp Genetics (formerly Invitae), Labcorp
Classification: Uncertain significance for Long QT syndrome. Last evaluated: 2017-08-07. Review status: criteria provided, single submitter. Criteria: Invitae Variant Classification Sherloc (09022015). Collection method: clinical testing. Allele origin: germline.
Comment: In summary, the available evidence is currently insufficient to determine the role of this variant in disease. Therefore, it has been classified as a Variant of Uncertain Significance. Algorithms developed to predict the effect of missense changes on protein structure and function output the following: SIFT: "Deleterious"; PolyPhen-2: "Probably Damaging"; Align-GVGD: "Class C0". The valine amino acid residue is found in multiple mammalian species, suggesting that this missense change does not adversely affect protein function. These predictions have not been confirmed by published functional studies and their clinical significance is uncertain. This variant has not been reported in the literature in individuals with AKAP9-related disease. This variant is not present in population databases (ExAC no frequency). This sequence change replaces alanine with valine at codon 2057 of the AKAP9 protein (p.Ala2057Val). The alanine residue is moderately conserved and there is a small physicochemical difference between alanine and valine.

NM_005751.5(AKAP9):c.6170C>T (p.Ala2057Val)

Gene: AKAP9 (A-kinase anchoring protein 9; plus strand). Cytogenetic location: 7q21.2.
Variant type: single nucleotide variant.
Coding change: c.6170C>T on transcript NM_005751.5 (MANE Select); coding-DNA position 6170, C replaced by T.
Protein change: p.Ala2057Val; replaces alanine 2057 with valine.
Molecular consequence: missense variant.
Genome position (GRCh38, 1-based): chr7:92,065,423, C>T. VCF-style: chr7-92065423-C-T. GRCh37 (hg19) VCF-style: chr7-91694737-C-T.
Other names: c.815C>T, p.Ala272Val (NM_001379277.1); c.6170C>T, p.Ala2057Val (NM_147185.3); short protein forms A2057V, A272V.
Identifiers: ClinVar variation 527015 (VCV000527015.8), dbSNP rs975290833, ClinGen allele CA161915357.